The following is an entry in ClinVar:

ClinVar aggregate classification (germline): Conflicting classifications of pathogenicity. Review status: criteria provided, conflicting classifications (1 of 4 stars). 4 submissions from 4 submitters: Uncertain significance (2); Likely benign (2). Last evaluated 2024-11-18.

Conditions:
Severe combined immunodeficiency due to DNA-PKcs deficiency. Also called: IMMUNODEFICIENCY 26 WITH NEUROLOGIC ABNORMALITIES; Immunodeficiency 26 with or without neurologic abnormalities. Identifiers: Orphanet 317425, MedGen C4014833, MONDO:0014423, OMIM 615966.

Allele frequency attached by ClinVar (database versions not stated): gnomAD 0.00029 and 0.00032; gnomAD exomes 0.00040 and 0.00042; TOPMed 0.00044; ExAC 0.00047; ESP Exome Variant Server 0.00059; 1000 Genomes Project 0.00060; 1000 Genomes Project 30x 0.00062.
gnomAD v4.1: 625 of 1,580,418 alleles (0.04%); highest among the groups gnomAD compares: Middle Eastern, 0.27%; no homozygotes.

Submissions (4):

Blueprint Genetics
Classification: Likely benign. Last evaluated: 2024-11-18. Review status: criteria provided, single submitter. Criteria: ACMG Guidelines, 2015. Collection method: clinical testing. Allele origin: germline.

CeGaT Center for Human Genetics Tuebingen
Classification: Likely benign. Last evaluated: 2023-10-01. Review status: criteria provided, single submitter. Criteria: CeGaT Center For Human Genetics Tuebingen Variant Classification Criteria Version 2. Collection method: clinical testing. Allele origin: germline. Affected: yes. Observed: 1 variant allele.
Comment: PRKDC: BP4, BP7

Labcorp Genetics (formerly Invitae), Labcorp
Classification: Uncertain significance for Severe combined immunodeficiency due to DNA-PKcs deficiency. Last evaluated: 2022-10-21. Review status: criteria provided, single submitter. Criteria: Invitae Variant Classification Sherloc (09022015). Collection method: clinical testing. Allele origin: germline.
Comment: This sequence change affects codon 2928 of the PRKDC mRNA. It is a 'silent' change, meaning that it does not change the encoded amino acid sequence of the PRKDC protein. It affects a nucleotide within the consensus splice site. This variant is present in population databases (rs202100944, gnomAD 0.06%). This variant has not been reported in the literature in individuals affected with PRKDC-related conditions. ClinVar contains an entry for this variant (Variation ID: 658542). Algorithms developed to predict the effect of sequence changes on RNA splicing suggest that this variant is not likely to affect RNA splicing. In summary, the available evidence is currently insufficient to determine the role of this variant in disease. Therefore, it has been classified as a Variant of Uncertain Significance.

Breakthrough Genomics
Classification: Uncertain significance. Review status: criteria provided, single submitter. Criteria: ACMG Guidelines, 2015. Collection method: not provided. Allele origin: germline. Inheritance: Autosomal recessive inheritance. Affected: yes.

NM_006904.7(PRKDC):c.8784G>A (p.Lys2928=)

Gene: PRKDC (protein kinase, DNA-activated, catalytic subunit; minus strand). Cytogenetic location: 8q11.21.
Variant type: single nucleotide variant.
Coding change: c.8784G>A on transcript NM_006904.7 (MANE Select); coding-DNA position 8784, G replaced by A.
Protein change: p.Lys2928=; no amino-acid change (lysine 2928 retained).
Molecular consequence: synonymous variant.
Genome position (GRCh38, 1-based): chr8:47,823,996, C>T on the plus strand (G>A on the coding strand, the complement: PRKDC is on the minus strand). VCF-style: chr8-47823996-C-T. GRCh37 (hg19) VCF-style: chr8-48736557-C-T.
Other names: c.8784G>A, p.Lys2928= (NM_001081640.2).
Identifiers: ClinVar variation 658542 (VCV000658542.30), dbSNP rs202100944, ClinGen allele CA4739724.